The following is an entry in ClinVar:

ClinVar aggregate classification (germline): Uncertain significance (1 of 4 stars; one submission).

Conditions:
Cohen syndrome (COH1). Also called: PEPPER SYNDROME; Cutis verticis gyrata, retinitis pigmentosa, and sensorineural deafness. Identifiers: Orphanet 193, MedGen C0265223, MONDO:0008999, OMIM 216550.

Allele frequency attached by ClinVar (database versions not stated): gnomAD exomes 0.00001; TOPMed 0.00001; ExAC 0.00001; gnomAD 0.00001.
gnomAD v4.1: 9 of 1,614,008 alleles (0.00056%); highest among the groups gnomAD compares: African/African-American, 0.0027%; no homozygotes.

Submission:

Labcorp Genetics (formerly Invitae), Labcorp
Classification: Uncertain significance for Cohen syndrome. Last evaluated: 2022-02-02. Review status: criteria provided, single submitter. Criteria: Invitae Variant Classification Sherloc (09022015). Collection method: clinical testing. Allele origin: germline.
Comment: This sequence change replaces lysine, which is basic and polar, with arginine, which is basic and polar, at codon 1972 of the VPS13B protein (p.Lys1972Arg). This variant is present in population databases (rs777142337, gnomAD 0.01%). This variant has not been reported in the literature in individuals affected with VPS13B-related conditions. Algorithms developed to predict the effect of missense changes on protein structure and function are either unavailable or do not agree on the potential impact of this missense change (SIFT: "Not Available"; PolyPhen-2: "Possibly Damaging"; Align-GVGD: "Not Available"). In summary, the available evidence is currently insufficient to determine the role of this variant in disease. Therefore, it has been classified as a Variant of Uncertain Significance.

NM_152564.5(VPS13B):c.5840A>G (p.Lys1947Arg)

Gene: VPS13B (vacuolar protein sorting 13 homolog B; plus strand). Cytogenetic location: 8q22.2.
Variant type: single nucleotide variant.
Coding change: c.5840A>G on transcript NM_152564.5 (MANE Select); coding-DNA position 5840, A replaced by G.
Protein change: p.Lys1947Arg; replaces lysine 1947 with arginine.
Molecular consequence: missense variant.
Genome position (GRCh38, 1-based): chr8:99,642,430, A>G. VCF-style: chr8-99642430-A-G. GRCh37 (hg19) VCF-style: chr8-100654658-A-G.
Other names: c.5915A>G, p.Lys1972Arg (NM_017890.5); short protein forms K1947R, K1972R.
Identifiers: ClinVar variation 1472653 (VCV001472653.5), dbSNP rs777142337, ClinGen allele CA4823879.